The following is an entry in ClinVar:

NM_004341.5(CAD):c.5385C>G (p.Ile1795Met)

Gene: CAD (carbamoyl-phosphate synthetase 2, aspartate transcarbamylase, and dihydroorotase; plus strand). Cytogenetic location: 2p23.3.
Variant type: single nucleotide variant.
Coding change: c.5385C>G on transcript NM_004341.5 (MANE Select); coding-DNA position 5385, C replaced by G.
Protein change: p.Ile1795Met; replaces isoleucine 1795 with methionine.
Molecular consequence: missense variant.
Genome position (GRCh38, 1-based): chr2:27,239,462, C>G. VCF-style: chr2-27239462-C-G. GRCh37 (hg19) VCF-style: chr2-27462330-C-G.
Other names: c.5196C>G, p.Ile1732Met (NM_001306079.2); short protein forms I1732M, I1795M.
Identifiers: ClinVar variation 2093818 (VCV002093818.4), dbSNP rs115849996, ClinGen allele CA346222734.

ClinVar aggregate classification (germline): Uncertain significance (1 of 4 stars; one submission).

gnomAD v4.1: 1 of 1,613,602 alleles (0.000062%); no homozygotes.

Submission:

Labcorp Genetics (formerly Invitae), Labcorp
Classification: Uncertain significance. Last evaluated: 2022-02-06. Review status: criteria provided, single submitter. Criteria: Invitae Variant Classification Sherloc (09022015). Collection method: clinical testing. Allele origin: germline.
Comment: In summary, the available evidence is currently insufficient to determine the role of this variant in disease. Therefore, it has been classified as a Variant of Uncertain Significance. Algorithms developed to predict the effect of missense changes on protein structure and function are either unavailable or do not agree on the potential impact of this missense change (SIFT: "Deleterious"; PolyPhen-2: "Probably Damaging"; Align-GVGD: "Class C0"). This variant has not been reported in the literature in individuals affected with CAD-related conditions. This variant is not present in population databases (gnomAD no frequency). This sequence change replaces isoleucine, which is neutral and non-polar, with methionine, which is neutral and non-polar, at codon 1795 of the CAD protein (p.Ile1795Met).